The following is an entry in ClinVar:

ClinVar aggregate classification (germline): Conflicting classifications of pathogenicity. Review status: criteria provided, conflicting classifications (1 of 4 stars). 5 submissions from 5 submitters: Uncertain significance (4); Likely benign (1). Last evaluated 2026-06-29.

Conditions:
Hereditary cancer-predisposing syndrome. Also called: Hereditary Cancer Syndrome; Tumor predisposition; Neoplastic Syndromes, Hereditary; Hereditary neoplastic syndrome. Identifiers: Orphanet 140162, MedGen C0027672, MeSH D009386, MONDO:0015356.
Piebaldism. Also called: Piebald skin depigmentation. Identifiers: Orphanet 2884, MedGen C0080024, MONDO:0008244, OMIM 172800, HP:0007544.
Gastrointestinal stromal tumor. Also called: Gastrointestinal stromal tumor, somatic; Gastrointestinal stroma tumor. Identifiers: Orphanet 44890, MedGen C0238198, MeSH D046152, MONDO:0011719, OMIM 606764, HP:0100723.
Acute myeloid leukemia (AML). Also called: Leukemia, acute myeloid, somatic; Leukemia, acute myelogenous, somatic; Acute myeloid leukemia, adult; AML adult; Acute non-lymphocytic leukemia; Acute granulocytic leukemia. Identifiers: Orphanet 519, MedGen C0023467, MeSH D015470, MONDO:0018874, OMIM 601626, HP:0004808. Disease mechanism: Constitutively activated FLT3.
Malignant tumor of testis. Also called: Testicular cancer. Identifiers: MedGen C0153594, MONDO:0005447.
Mastocytosis. Also called: Mast Cell Disease. Identifiers: Orphanet 98292, MedGen C0024899, MONDO:0007950, HP:0100495.

Allele frequency attached by ClinVar (database versions not stated): gnomAD exomes below 0.00001 and 0.00001; TOPMed below 0.00001; ExAC 0.00002.
gnomAD v4.1: 18 of 1,614,076 alleles (0.0011%); highest among the groups gnomAD compares: Middle Eastern, 0.099%; 1 homozygote.

Submissions (5):

Ambry Genetics
Classification: Likely benign for Hereditary cancer-predisposing syndrome. Last evaluated: 2026-06-29. Review status: criteria provided, single submitter. Criteria: Ambry Variant Classification Scheme 2023. Collection method: clinical testing. Allele origin: germline.

Labcorp Genetics (formerly Invitae), Labcorp
Classification: Uncertain significance for Gastrointestinal stromal tumor. Last evaluated: 2026-01-28. Review status: criteria provided, single submitter. Criteria: Invitae Variant Classification Sherloc (09022015). Collection method: clinical testing. Allele origin: germline.
Comment: This sequence change replaces threonine, which is neutral and polar, with alanine, which is neutral and non-polar, at codon 963 of the KIT protein (p.Thr963Ala). This variant is present in population databases (rs773709702, gnomAD 0.003%). This variant has not been reported in the literature in individuals affected with KIT-related conditions. ClinVar contains an entry for this variant (Variation ID: 409774). An algorithm developed to predict the effect of missense changes on protein structure and function (PolyPhen-2) suggests that this variant is likely to be tolerated. In summary, the available evidence is currently insufficient to determine the role of this variant in disease. Therefore, it has been classified as a Variant of Uncertain Significance.

Baylor Genetics
Classification: Uncertain significance for Gastrointestinal stromal tumor. Last evaluated: 2023-12-23. Review status: criteria provided, single submitter. Criteria: ACMG Guidelines, 2015. Collection method: clinical testing. Allele origin: unknown.

GeneDx
Classification: Uncertain significance. Last evaluated: 2023-12-11. Review status: criteria provided, single submitter. Criteria: GeneDx Variant Classification Process June 2021. Collection method: clinical testing. Allele origin: germline. Affected: yes.
Comment: Not observed at significant frequency in large population cohorts (gnomAD); In silico analysis supports that this missense variant does not alter protein structure/function; Has not been previously published as pathogenic or benign to our knowledge

Fulgent Genetics
Classification: Uncertain significance for Cutaneous mastocytosis; Piebaldism; Germ cell tumor of testis; Acute myeloid leukemia; Gastrointestinal stromal tumor. Last evaluated: 2018-10-31. Review status: criteria provided, single submitter. Criteria: ACMG Guidelines, 2015. Collection method: clinical testing. Allele origin: unknown.

NM_000222.3(KIT):c.2887A>G (p.Thr963Ala)

Gene: KIT (KIT proto-oncogene, receptor tyrosine kinase; plus strand). Cytogenetic location: 4q12.
Variant type: single nucleotide variant.
Coding change: c.2887A>G on transcript NM_000222.3 (MANE Select); coding-DNA position 2887, A replaced by G.
Protein change: p.Thr963Ala; replaces threonine 963 with alanine.
Molecular consequence: missense variant.
Genome position (GRCh38, 1-based): chr4:54,738,513, A>G. VCF-style: chr4-54738513-A-G. GRCh37 (hg19) VCF-style: chr4-55604679-A-G.
Other names: c.2875A>G, p.Thr959Ala (NM_001093772.2, NM_001385292.1); c.2890A>G, p.Thr964Ala (NM_001385284.1); c.2884A>G, p.Thr962Ala (NM_001385285.1); c.2872A>G, p.Thr958Ala (NM_001385286.1); c.2878A>G, p.Thr960Ala (NM_001385288.1); c.2887A>G, p.Thr963Ala (NM_001385290.1); short protein forms T963A, T959A, T958A, T960A, T962A, T964A.
Identifiers: ClinVar variation 409774 (VCV000409774.16), dbSNP rs773709702, ClinGen allele CA2923891.